The following is an entry in ClinVar:

ClinVar aggregate classification (germline): Likely pathogenic (1 of 4 stars; one submission).

Conditions:
Hereditary breast ovarian cancer syndrome. Also called: BRCA1- and BRCA2-Associated Hereditary Breast and Ovarian Cancer; Hereditary breast and ovarian cancer; Hereditary breast and ovarian cancer syndrome (HBOC); Hereditary breast and/or ovarian cancer syndrome; Hereditary breast and ovarian cancer syndrome; Breast and ovarian cancer. Identifiers: Orphanet 145, MedGen C0677776, MeSH D061325, MONDO:0003582. Disease mechanism: loss of function.

Submission:

Genetics and Personalized Medicine Clinic, Tartu University Hospital
Classification: Likely pathogenic for Hereditary breast ovarian cancer syndrome. Last evaluated: 2023-01-01. Review status: criteria provided, single submitter. Criteria: ACMG Guidelines, 2015. Collection method: clinical testing. Allele origin: germline. Affected: yes. Observed: 1 variant allele.
Comment: This frameshift variant p.(Tyr1392Ilefs*10) introduces a premature stop codon.

NM_000051.4(ATM):c.4174del (p.Tyr1392fs)

Gene: ATM (ATM serine/threonine kinase; plus strand). Cytogenetic location: 11q22.3.
Variant type: Deletion.
Coding change: c.4174del on transcript NM_000051.4 (MANE Select); coding-DNA position 4174, one base deleted (T; older notation c.4174delT).
Protein change: p.Tyr1392fs; shifts the reading frame from tyrosine 1392.
Molecular consequence: frameshift variant.
Genome position (GRCh38, 1-based): chr11:108,289,041, T deleted. VCF-style (leftmost placement, unchanged base first): chr11-108289040-CT-C. GRCh37 (hg19) VCF-style: chr11-108159767-CT-C.
Other names: c.4174del, p.Tyr1392fs (NM_001351834.2); short protein forms Y1392fs.
Identifiers: ClinVar variation 4082390 (VCV004082390.1), dbSNP rs1179870762.